The following is an entry in ClinVar:

ClinVar aggregate classification (germline): Likely benign (1 of 4 stars; one submission).

Allele frequency attached by ClinVar (database versions not stated): gnomAD 0.00006; gnomAD exomes 0.00007; ExAC 0.00010; TOPMed 0.00010.
gnomAD v4.1: 88 of 1,207,718 alleles (0.0073%); highest among the groups gnomAD compares: Middle Eastern, 0.046%; no homozygotes.

Submission:

CeGaT Center for Human Genetics Tuebingen
Classification: Likely benign. Last evaluated: 2022-07-01. Review status: criteria provided, single submitter. Criteria: CeGaT Center For Human Genetics Tuebingen Variant Classification Criteria Version 2. Collection method: clinical testing. Allele origin: germline. Affected: yes. Observed: 1 variant allele.
Comment: KCND1: BP4, BP7

NM_004979.6(KCND1):c.1164C>T (p.Phe388=)

Gene: KCND1 (potassium voltage-gated channel subfamily D member 1; minus strand). Cytogenetic location: Xp11.23.
Variant type: single nucleotide variant.
Coding change: c.1164C>T on transcript NM_004979.6 (MANE Select); coding-DNA position 1164, C replaced by T.
Protein change: p.Phe388=; no amino-acid change (phenylalanine 388 retained).
Molecular consequence: synonymous variant.
Genome position (GRCh38, 1-based): chrX:48,967,064, G>A on the plus strand (C>T on the coding strand, the complement: KCND1 is on the minus strand). VCF-style: chrX-48967064-G-A. GRCh37 (hg19) VCF-style: chrX-48823471-G-A.
Identifiers: ClinVar variation 2660494 (VCV002660494.24), dbSNP rs202089522, ClinGen allele CA10406799.